The following is an entry in ClinVar:

NM_000329.3(RPE65):c.644-1G>A

Gene: RPE65 (retinoid isomerohydrolase RPE65; minus strand). Cytogenetic location: 1p31.3.
Variant type: single nucleotide variant.
Coding change: c.644-1G>A on transcript NM_000329.3 (MANE Select); the canonical splice acceptor site of the intron before coding-DNA position 644, G replaced by A.
Molecular consequence: splice acceptor variant.
Genome position (GRCh38, 1-based): chr1:68,439,643, C>T on the plus strand (G>A on the coding strand, the complement: RPE65 is on the minus strand). VCF-style: chr1-68439643-C-T. GRCh37 (hg19) VCF-style: chr1-68905326-C-T.
Other names: c.368-1G>A (NM_001406857.1, NM_001406856.1); c.536-1G>A (NM_001406853.1); c.644-1G>A (NM_001406859.1).
Identifiers: ClinVar variation 2932100 (VCV002932100.3), dbSNP rs61752892, ClinGen allele CA340746083.
Genomic context (GRCh38, chr1:68,439,643, plus strand): 5'-ATCGGTCACTGCAGGGGAATTGTACAACGATCTCTGACTTGCTTATTGGATCTTCCTTGT[C>T]TGAAATAAAGTGGTTTTAAAAGGCTTTGGAAGAGCCTCTTATTTTTTTTTTAATACAAAG-3'

ClinVar aggregate classification (germline): Pathogenic (1 of 4 stars; one submission).

Conditions:
Retinitis pigmentosa 20 (RP20). Identifiers: Orphanet 791, MedGen C3151086, MONDO:0013425, OMIM 613794.
Leber congenital amaurosis 2 (LCA2). Also called: AMAUROSIS CONGENITA OF LEBER II; Autosomal Recessive RPE65-Related Retinal Degeneration. Identifiers: Orphanet 65, MedGen C1859844, MONDO:0008765, OMIM 204100. Disease mechanism: loss of function.

Allele frequency attached by ClinVar (database versions not stated): gnomAD exomes below 0.00001.
gnomAD v4.1: 1 of 1,613,274 alleles (0.000062%); highest among the groups gnomAD compares: Non-Finnish European, 0.000085%; no homozygotes.

Submission:

Labcorp Genetics (formerly Invitae), Labcorp
Classification: Pathogenic for Leber congenital amaurosis 2; Retinitis pigmentosa 20. Last evaluated: 2023-07-24. Review status: criteria provided, single submitter. Criteria: Invitae Variant Classification Sherloc (09022015). Collection method: clinical testing. Allele origin: germline.
Comment: This sequence change affects an acceptor splice site in intron 6 of the RPE65 gene. It is expected to disrupt RNA splicing. Variants that disrupt the donor or acceptor splice site typically lead to a loss of protein function (PMID: 16199547), and loss-of-function variants in RPE65 are known to be pathogenic (PMID: 9326941, 9501220, 9843205, 18632300). For these reasons, this variant has been classified as Pathogenic. Algorithms developed to predict the effect of sequence changes on RNA splicing suggest that this variant may disrupt the consensus splice site. Disruption of this splice site has been observed in individuals with clinical features of inherited retinal dystrophy (PMID: 9501220; Invitae). This variant is not present in population databases (gnomAD no frequency).

Literature cited by the submitters: PubMed 16199547; PubMed 9326941; PubMed 9501220; PubMed 9843205; PubMed 18632300.